The following is an entry in ClinVar:

ClinVar aggregate classification (germline): Uncertain significance. Review status: criteria provided, multiple submitters, no conflicts (2 of 4 stars). 2 submissions from 2 submitters: Uncertain significance (2). Last evaluated 2025-02-17.

Conditions:
Wilms tumor 1 (WT1). Also called: Wilms tumor, somatic. Identifiers: Orphanet 654, MedGen CN033288, MONDO:0008679, OMIM 194070.

Allele frequency attached by ClinVar (database versions not stated): TOPMed below 0.00001; ExAC 0.00001; gnomAD exomes 0.00001 and below 0.00001; gnomAD 0.00003 and 0.00004; 1000 Genomes Project 30x 0.00021; 1000 Genomes Project 0.00026.
gnomAD v4.1: 5 of 1,210,084 alleles (0.00041%); highest among the groups gnomAD compares: African/African-American, 0.0052%; no homozygotes.

Submissions (2):

Labcorp Genetics (formerly Invitae), Labcorp
Classification: Uncertain significance for Wilms tumor 1. Last evaluated: 2025-02-17. Review status: criteria provided, single submitter. Criteria: Invitae Variant Classification Sherloc (09022015). Collection method: clinical testing. Allele origin: germline.
Comment: This sequence change replaces arginine, which is basic and polar, with cysteine, which is neutral and slightly polar, at codon 203 of the GPC3 protein (p.Arg203Cys). This variant is present in population databases (rs756480292, gnomAD 0.007%). This variant has not been reported in the literature in individuals affected with GPC3-related conditions. ClinVar contains an entry for this variant (Variation ID: 861820). Invitae Evidence Modeling of protein sequence and biophysical properties (such as structural, functional, and spatial information, amino acid conservation, physicochemical variation, residue mobility, and thermodynamic stability) indicates that this missense variant is expected to disrupt GPC3 protein function with a positive predictive value of 80%. In summary, the available evidence is currently insufficient to determine the role of this variant in disease. Therefore, it has been classified as a Variant of Uncertain Significance.

GeneDx
Classification: Uncertain significance. Last evaluated: 2022-02-11. Review status: criteria provided, single submitter. Criteria: GeneDx Variant Classification Process June 2021. Collection method: clinical testing. Allele origin: germline. Affected: yes.
Comment: In silico analysis supports that this missense variant has a deleterious effect on protein structure/function; Missense variant in a gene in which most reported pathogenic variants are truncating/loss-of-function; Has not been previously published as pathogenic or benign to our knowledge

NM_004484.4(GPC3):c.607C>T (p.Arg203Cys)

Gene: GPC3 (glypican 3; minus strand). Cytogenetic location: Xq26.2.
Variant type: single nucleotide variant.
Coding change: c.607C>T on transcript NM_004484.4 (MANE Select); coding-DNA position 607, C replaced by T.
Protein change: p.Arg203Cys; replaces arginine 203 with cysteine.
Molecular consequence: missense variant.
Genome position (GRCh38, 1-based): chrX:133,753,907, G>A on the plus strand (C>T on the coding strand, the complement: GPC3 is on the minus strand). VCF-style: chrX-133753907-G-A. GRCh37 (hg19) VCF-style: chrX-132887934-G-A.
Other names: c.607C>T, p.Arg203Cys (NM_001164617.2); c.559C>T, p.Arg187Cys (NM_001164618.2); c.445C>T, p.Arg149Cys (NM_001164619.2); short protein forms R149C, R187C, R203C.
Identifiers: ClinVar variation 861820 (VCV000861820.11), dbSNP rs756480292, ClinGen allele CA10520817.